The following is an entry in ClinVar:

NM_024408.4(NOTCH2):c.1318T>A (p.Phe440Ile)

Gene: NOTCH2 (notch receptor 2; minus strand). Cytogenetic location: 1p12.
Variant type: single nucleotide variant.
Coding change: c.1318T>A on transcript NM_024408.4 (MANE Select); coding-DNA position 1318, T replaced by A.
Protein change: p.Phe440Ile; replaces phenylalanine 440 with isoleucine.
Molecular consequence: missense variant.
Genome position (GRCh38, 1-based): chr1:119,967,568, A>T on the plus strand (T>A on the coding strand, the complement: NOTCH2 is on the minus strand). VCF-style: chr1-119967568-A-T. GRCh37 (hg19) VCF-style: chr1-120510191-A-T.
Other names: c.1318T>A, p.Phe440Ile (NM_001200001.2); short protein forms F440I.
Identifiers: ClinVar variation 2498053 (VCV002498053.1), dbSNP rs2526304342, ClinGen allele CA341878326.

ClinVar aggregate classification (germline): Uncertain significance (1 of 4 stars; one submission).

Submission:

GeneDx
Classification: Uncertain significance. Last evaluated: 2022-10-06. Review status: criteria provided, single submitter. Criteria: GeneDx Variant Classification Process June 2021. Collection method: clinical testing. Allele origin: germline. Affected: yes.
Comment: Not observed at significant frequency in large population cohorts (gnomAD); In silico analysis supports that this missense variant has a deleterious effect on protein structure/function; Has not been previously published as pathogenic or benign to our knowledge